The following is an entry in ClinVar:

ClinVar aggregate classification (germline): Pathogenic/Likely pathogenic. Review status: criteria provided, multiple submitters, no conflicts (2 of 4 stars). 4 submissions from 4 submitters: Pathogenic (2); Likely pathogenic (1). 1 of the submissions does not count toward it. Last evaluated 2024-03-25.

Conditions:
Maple syrup urine disease type 1A (MSUD1A). Also called: MSUD type 1A. Identifiers: MedGen C1855369, MONDO:0023691, OMIM 248600.
Maple syrup urine disease (MSUD). Identifiers: Orphanet 511, MedGen C0024776, MeSH D008375, MONDO:0009563. Disease mechanism: loss of function.

Submissions (4):

Baylor Genetics
Classification: Pathogenic for Maple syrup urine disease type 1A. Last evaluated: 2024-03-25. Review status: criteria provided, single submitter. Criteria: ACMG Guidelines, 2015. Collection method: clinical testing. Allele origin: unknown.

Labcorp Genetics (formerly Invitae), Labcorp
Classification: Pathogenic for Maple syrup urine disease. Last evaluated: 2023-07-07. Review status: criteria provided, single submitter. Criteria: Invitae Variant Classification Sherloc (09022015). Collection method: clinical testing. Allele origin: germline.
Comment: This sequence change creates a premature translational stop signal (p.Gln212*) in the DBT gene. It is expected to result in an absent or disrupted protein product. Loss-of-function variants in DBT are known to be pathogenic (PMID: 16579849, 16786533). This variant is not present in population databases (gnomAD no frequency). This premature translational stop signal has been observed in individual(s) with a positive newborn screening result for DBT-related disease (PMID: 25255367). ClinVar contains an entry for this variant (Variation ID: 557560). For these reasons, this variant has been classified as Pathogenic.

Genome-Nilou Lab
Classification: Likely pathogenic for Maple syrup urine disease type 1A. Last evaluated: 2023-04-11. Review status: criteria provided, single submitter. Criteria: ACMG Guidelines, 2015. Collection method: clinical testing. Allele origin: germline. Affected: no.

Counsyl
Classification: Likely pathogenic for Maple syrup urine disease type 1A. Last evaluated: 2018-03-29. Review status: no assertion criteria provided. Collection method: clinical testing. Allele origin: unknown. Not counted in ClinVar's aggregate classification.

Literature cited by the submitters: PubMed 16579849 (cited by Labcorp Genetics (formerly Invitae), Labcorp); PubMed 16786533 (cited by Labcorp Genetics (formerly Invitae), Labcorp); PubMed 25255367 (cited by Labcorp Genetics (formerly Invitae), Labcorp and Counsyl); PubMed 26589311 (cited by Counsyl).

NM_001918.5(DBT):c.634C>T (p.Gln212Ter)

Gene: DBT (dihydrolipoamide branched chain transacylase E2; minus strand). Cytogenetic location: 1p21.2.
Variant type: single nucleotide variant.
Coding change: c.634C>T on transcript NM_001918.5 (MANE Select); coding-DNA position 634, C replaced by T.
Protein change: p.Gln212Ter; replaces glutamine 212 with a stop codon.
Molecular consequence: nonsense.
Genome position (GRCh38, 1-based): chr1:100,216,121, G>A on the plus strand (C>T on the coding strand, the complement: DBT is on the minus strand). VCF-style: chr1-100216121-G-A. GRCh37 (hg19) VCF-style: chr1-100681677-G-A.
Other names: short protein forms Q212*.
Identifiers: ClinVar variation 557560 (VCV000557560.11), dbSNP rs1553230841, ClinGen allele CA341338666.
Genomic context (GRCh38, chr1:100,216,121, plus strand): 5'-GCTTTGGTGGAGGTGGCATAATTTCAACTTTGGGTGAAGGAGGCAATATAGCTCCTGTCT[G>A]CTTTTCCAAATAGTTGAGGATATCTTCTTTAAGTATTCTGCCATCTTTTCCTGAGCCAAC-3'